The following is an entry in ClinVar:

NM_014141.6(CNTNAP2):c.1413T>G (p.Ile471Met)

Gene: CNTNAP2 (contactin associated protein 2; plus strand). Cytogenetic location: 7q35.
Variant type: single nucleotide variant.
Coding change: c.1413T>G on transcript NM_014141.6 (MANE Select); coding-DNA position 1413, T replaced by G.
Protein change: p.Ile471Met; replaces isoleucine 471 with methionine.
Molecular consequence: missense variant.
Genome position (GRCh38, 1-based): chr7:147,300,205, T>G. VCF-style: chr7-147300205-T-G. GRCh37 (hg19) VCF-style: chr7-146997297-T-G.
Other names: short protein forms I471M.
Identifiers: ClinVar variation 1053547 (VCV001053547.7), dbSNP rs376233595, ClinGen allele CA369925173.
Genomic context (GRCh38, chr7:147,300,205, plus strand): 5'-TGGGTTGAATGATGGACAGTGGCACGAGGTTCGCTTCCTAGCCAAGGAAAATTTTGCTAT[T>G]CTCACCATCGATGGAGATGAAGCATCAGCAGTTCGAACTAATAGTCCCCTTCAAGTTAAA-3'
Protein context (NP_054860.1, residues 461-481): VRFLAKENFA[Ile471Met]LTIDGDEASA

ClinVar aggregate classification (germline): Uncertain significance (1 of 4 stars; one submission).

Conditions:
Cortical dysplasia-focal epilepsy syndrome (PTHSL1). Also called: Pitt-Hopkins-like syndrome 1. Identifiers: Orphanet 163681, Orphanet 221150, MedGen C2750246, MONDO:0012400, OMIM 610042.

gnomAD v4.1: 1 of 1,614,050 alleles (0.000062%); highest among the groups gnomAD compares: Non-Finnish European, 0.000085%; no homozygotes.

Submission:

Labcorp Genetics (formerly Invitae), Labcorp
Classification: Uncertain significance for Cortical dysplasia-focal epilepsy syndrome. Last evaluated: 2021-10-04. Review status: criteria provided, single submitter. Criteria: Invitae Variant Classification Sherloc (09022015). Collection method: clinical testing. Allele origin: germline.
Comment: This sequence change replaces isoleucine with methionine at codon 471 of the CNTNAP2 protein (p.Ile471Met). The isoleucine residue is weakly conserved and there is a small physicochemical difference between isoleucine and methionine. In summary, the available evidence is currently insufficient to determine the role of this variant in disease. Therefore, it has been classified as a Variant of Uncertain Significance. Algorithms developed to predict the effect of missense changes on protein structure and function (SIFT, PolyPhen-2, Align-GVGD) all suggest that this variant is likely to be tolerated. This variant has not been reported in the literature in individuals affected with CNTNAP2-related conditions. This variant is not present in population databases (ExAC no frequency).